The following is an entry in ClinVar:

ClinVar aggregate classification (germline): Uncertain significance (1 of 4 stars; one submission).

Conditions:
Desmin-related myofibrillar myopathy (MFM1). Also called: Desminopathy; Desmin related myopathy (former name); Desmin storage myopathy (former name); MYOFIBRILLAR MYOPATHY WITH ARRHYTHMOGENIC RIGHT VENTRICULAR CARDIOMYOPATHY; DESMIN-RELATED MYOPATHY WITH ARRHYTHMOGENIC RIGHT VENTRICULAR CARDIOMYOPATHY; Myofibrillar myopathy 1. Identifiers: Orphanet 363543, Orphanet 98909, MedGen C1832370, MONDO:0011076, OMIM 601419.

Submission:

Labcorp Genetics (formerly Invitae), Labcorp
Classification: Uncertain significance for Desmin-related myofibrillar myopathy. Last evaluated: 2021-08-30. Review status: criteria provided, single submitter. Criteria: Invitae Variant Classification Sherloc (09022015). Collection method: clinical testing. Allele origin: germline.
Comment: In summary, the available evidence is currently insufficient to determine the role of this variant in disease. Therefore, it has been classified as a Variant of Uncertain Significance. This variant is not present in population databases (ExAC no frequency). This sequence change replaces arginine with serine at codon 16 of the DES protein (p.Arg16Ser). The arginine residue is highly conserved and there is a moderate physicochemical difference between arginine and serine. Algorithms developed to predict the effect of sequence changes on RNA splicing suggest that this variant may create or strengthen a splice site. Algorithms developed to predict the effect of missense changes on protein structure and function are either unavailable or do not agree on the potential impact of this missense change (SIFT: "Deleterious"; PolyPhen-2: "Not Available"; Align-GVGD: "Class C0"). This variant has not been reported in the literature in individuals affected with DES-related conditions.

NM_001927.4(DES):c.46C>A (p.Arg16Ser)

Gene: DES (desmin; plus strand). Cytogenetic location: 2q35.
Variant type: single nucleotide variant.
Coding change: c.46C>A on transcript NM_001927.4 (MANE Select); coding-DNA position 46, C replaced by A.
Protein change: p.Arg16Ser; replaces arginine 16 with serine.
Molecular consequence: missense variant.
Genome position (GRCh38, 1-based): chr2:219,418,508, C>A. VCF-style: chr2-219418508-C-A. GRCh37 (hg19) VCF-style: chr2-220283230-C-A.
Other names: c.46C>A, p.Arg16Ser (NM_001382708.1, NM_001382709.1, NM_001382710.1 and 3 more transcripts); short protein forms R16S.
Identifiers: ClinVar variation 1355754 (VCV001355754.6), dbSNP rs60798368, ClinGen allele CA350682339.